The following is an entry in ClinVar:

NM_015102.5(NPHP4):c.2144-1G>A

Gene: NPHP4 (nephrocystin 4; minus strand). Cytogenetic location: 1p36.31.
Variant type: single nucleotide variant.
Coding change: c.2144-1G>A on transcript NM_015102.5 (MANE Select); the canonical splice acceptor site of the intron before coding-DNA position 2144, G replaced by A.
Molecular consequence: splice acceptor variant.
Genome position (GRCh38, 1-based): chr1:5,891,029, C>T on the plus strand (G>A on the coding strand, the complement: NPHP4 is on the minus strand). VCF-style: chr1-5891029-C-T. GRCh37 (hg19) VCF-style: chr1-5951089-C-T.
Other names: c.608-1G>A (NM_001291594.2); c.605-1G>A (NM_001291593.2).
Identifiers: ClinVar variation 2713717 (VCV002713717.3), dbSNP rs2523692876, ClinGen allele CA338059692.
Genomic context (GRCh38, chr1:5,891,029, plus strand): 5'-GCTCACCTGGCTTCAGGAACCCAGGGCCCACCATGTACCTCAGCTGGAAGCCAGGAGACC[C>T]TGTCAAAGAGGCACCAAAGGAGGCCAAAAGTAATTGGAGTCATTCATCATCTTTACACTT-3'

ClinVar aggregate classification (germline): Pathogenic (1 of 4 stars; one submission).

Conditions:
Nephronophthisis. Also called: Juvenile Nephronophthisis. Identifiers: Orphanet 655, MedGen C0687120, MONDO:0019005, HP:0000090.

Submission:

Labcorp Genetics (formerly Invitae), Labcorp
Classification: Pathogenic for Nephronophthisis. Last evaluated: 2024-10-24. Review status: criteria provided, single submitter. Criteria: Invitae Variant Classification Sherloc (09022015). Collection method: clinical testing. Allele origin: germline.
Comment: This sequence change affects an acceptor splice site in intron 16 of the NPHP4 gene. It is expected to disrupt RNA splicing. Variants that disrupt the donor or acceptor splice site typically lead to a loss of protein function (PMID: 16199547), and loss-of-function variants in NPHP4 are known to be pathogenic (PMID: 12205563, 23559409). This variant is not present in population databases (gnomAD no frequency). Disruption of this splice site has been observed in individual(s) with nephronophthisis (PMID: 17855640). In at least one individual the data is consistent with being in trans (on the opposite chromosome) from a pathogenic variant. Algorithms developed to predict the effect of sequence changes on RNA splicing suggest that this variant may disrupt the consensus splice site. For these reasons, this variant has been classified as Pathogenic.

Literature cited by the submitters: PubMed 16199547; PubMed 12205563; PubMed 23559409; PubMed 17855640.